The following is an entry in ClinVar:

ClinVar aggregate classification (germline): Uncertain significance (1 of 4 stars; one submission).

Conditions:
Inborn genetic diseases. Identifiers: MedGen C0950123, MeSH D030342.

Submission:

Ambry Genetics
Classification: Uncertain significance for Inborn genetic diseases. Last evaluated: 2025-09-12. Review status: criteria provided, single submitter. Criteria: Ambry Variant Classification Scheme 2023. Collection method: clinical testing. Allele origin: germline.
Comment: The c.2911+5G>C intronic alteration results from a G to C substitution 5 nucleotides after coding exon 15 of the ZMYM2 gene. This variant was not reported in population-based cohorts in the Genome Aggregation Database (gnomAD). This nucleotide position is highly conserved in available vertebrate species. In silico splice site analysis predicts that this alteration will weaken the native splice donor site. Based on insufficient or conflicting evidence, the clinical significance of this alteration remains unclear.

NM_197968.4(ZMYM2):c.2911+5G>C

Gene: ZMYM2 (zinc finger MYM-type containing 2; plus strand). Cytogenetic location: 13q12.11.
Variant type: single nucleotide variant.
Coding change: c.2911+5G>C on transcript NM_197968.4 (MANE Select); 5 bases into the intron after coding-DNA position 2911, G replaced by C.
Molecular consequence: intron variant.
Genome position (GRCh38, 1-based): chr13:20,061,229, G>C. VCF-style: chr13-20061229-G-C. GRCh37 (hg19) VCF-style: chr13-20635369-G-C.
Other names: c.2650+5G>C (NM_001353163.2); c.2911+5G>C (NM_001353157.2, NM_001353164.2, NM_001353159.2 and 5 more transcripts); c.2716+5G>C (NM_001353161.3).
Identifiers: ClinVar variation 4206176 (VCV004206176.1).
Genomic context (GRCh38, chr13:20,061,229, plus strand): 5'-AATGACGGATATGATGAGTGAAGACGAGGGGAAAACAGAGACAACCAACATCAACAGTGA[G>C]CTACACTAAATTATACCTTGCGAATAAGTGTTAACATTGGTTATTTATAAGTATTGTTAC-3'